The following is an entry in ClinVar:

NM_001042492.3(NF1):c.6563dup (p.Pro2189fs)

Gene: NF1 (neurofibromin 1; plus strand). Cytogenetic location: 17q11.2.
Variant type: Duplication.
Coding change: c.6563dup on transcript NM_001042492.3 (MANE Select); coding-DNA position 6563, one base duplicated (C; older notation c.6563dupC).
Protein change: p.Pro2189fs; shifts the reading frame from proline 2189.
Molecular consequence: frameshift variant.
Genome position (GRCh38, 1-based): chr17:31,337,503, C duplicated. VCF-style (leftmost placement, unchanged base first): chr17-31337502-T-TC. GRCh37 (hg19) VCF-style: chr17-29664520-T-TC.
Other names: c.6500dupC (NM_000267.3); c.6500dup, p.Pro2168fs (NM_000267.4); short protein forms P2168fs, P2189fs.
Identifiers: ClinVar variation 5025664 (VCV005025664.1).

ClinVar aggregate classification (germline): Pathogenic (1 of 4 stars; one submission).

Conditions:
Cardiovascular phenotype. Identifiers: MedGen CN230736.
Hereditary cancer-predisposing syndrome. Also called: Neoplastic Syndromes, Hereditary; Tumor predisposition; Hereditary neoplastic syndrome; Hereditary Cancer Syndrome. Identifiers: Orphanet 140162, MedGen C0027672, MeSH D009386, MONDO:0015356.

Submission:

Ambry Genetics
Classification: Pathogenic for Cardiovascular phenotype; Hereditary cancer-predisposing syndrome. Last evaluated: 2026-09-10. Review status: criteria provided, single submitter. Criteria: Ambry Variant Classification Scheme 2023. Collection method: clinical testing. Allele origin: germline.
Comment: The c.6500dupC pathogenic mutation, located in coding exon 42 of the NF1 gene, results from a duplication of C at nucleotide position 6500, causing a translational frameshift with a predicted alternate stop codon (p.P2168Sfs*5). This variant is considered to be rare based on population cohorts in the Genome Aggregation Database (gnomAD). This alteration is expected to result in loss of function by premature protein truncation or nonsense-mediated mRNA decay. As such, this alteration is interpreted as a disease-causing mutation.